The following is an entry in ClinVar:

ClinVar aggregate classification (germline): Uncertain significance (1 of 4 stars; one submission).

Conditions:
Charcot-Marie-Tooth disease type 2. Also called: Charcot-Marie-Tooth type 2. Identifiers: Orphanet 64746, MedGen C0270914, MONDO:0018993.

gnomAD v4.1: 5 of 1,614,096 alleles (0.00031%); highest among the groups gnomAD compares: Non-Finnish European, 0.00042%; no homozygotes.

Submission:

Labcorp Genetics (formerly Invitae), Labcorp
Classification: Uncertain significance for Charcot-Marie-Tooth disease type 2. Last evaluated: 2024-10-16. Review status: criteria provided, single submitter. Criteria: Invitae Variant Classification Sherloc (09022015). Collection method: clinical testing. Allele origin: germline.
Comment: This sequence change replaces glycine, which is neutral and non-polar, with arginine, which is basic and polar, at codon 319 of the AARS protein (p.Gly319Arg). This variant is not present in population databases (gnomAD no frequency). This variant has not been reported in the literature in individuals affected with AARS-related conditions. Invitae Evidence Modeling of protein sequence and biophysical properties (such as structural, functional, and spatial information, amino acid conservation, physicochemical variation, residue mobility, and thermodynamic stability) has been performed for this missense variant. However, the output from this modeling did not meet the statistical confidence thresholds required to predict the impact of this variant on AARS protein function. In summary, the available evidence is currently insufficient to determine the role of this variant in disease. Therefore, it has been classified as a Variant of Uncertain Significance.

NM_001605.3(AARS1):c.955G>C (p.Gly319Arg)

Gene: AARS1 (alanyl-tRNA synthetase 1; minus strand). Cytogenetic location: 16q22.1.
Variant type: single nucleotide variant.
Coding change: c.955G>C on transcript NM_001605.3 (MANE Select); coding-DNA position 955, G replaced by C.
Protein change: p.Gly319Arg; replaces glycine 319 with arginine.
Molecular consequence: missense variant.
Genome position (GRCh38, 1-based): chr16:70,269,625, C>G on the plus strand (G>C on the coding strand, the complement: AARS1 is on the minus strand). VCF-style: chr16-70269625-C-G. GRCh37 (hg19) VCF-style: chr16-70303528-C-G.
Other names: short protein forms G319R.
Identifiers: ClinVar variation 3711864 (VCV003711864.2).